The following is an entry in ClinVar:

NM_206937.2(LIG4):c.2545G>A (p.Gly849Arg)

Gene: LIG4 (DNA ligase 4; minus strand). Cytogenetic location: 13q33.3.
Variant type: single nucleotide variant.
Coding change: c.2545G>A on transcript NM_206937.2 (MANE Select); coding-DNA position 2545, G replaced by A.
Protein change: p.Gly849Arg; replaces glycine 849 with arginine.
Molecular consequence: missense variant.
Genome position (GRCh38, 1-based): chr13:108,208,724, C>T on the plus strand (G>A on the coding strand, the complement: LIG4 is on the minus strand). VCF-style: chr13-108208724-C-T. GRCh37 (hg19) VCF-style: chr13-108861072-C-T.
Other names: c.2545G>A, p.Gly849Arg (NM_001098268.2, NM_001352598.2, NM_001352599.2 and 6 more transcripts); c.2344G>A, p.Gly782Arg (NM_001330595.2); c.2581G>A, p.Gly861Arg (NM_001352604.2); short protein forms G782R, G849R, G861R.
Identifiers: ClinVar variation 2007314 (VCV002007314.4), dbSNP rs1878196580, ClinGen allele CA388612567.

ClinVar aggregate classification (germline): Uncertain significance (1 of 4 stars; one submission).

Conditions:
DNA ligase IV deficiency. Identifiers: Orphanet 99812, MedGen C1847827, MONDO:0011686, OMIM 606593.

Allele frequency attached by ClinVar (database versions not stated): gnomAD exomes below 0.00001; TOPMed below 0.00001.
gnomAD v4.1: 1 of 1,614,190 alleles (0.000062%); highest among the groups gnomAD compares: Non-Finnish European, 0.000085%; no homozygotes.

Submission:

Labcorp Genetics (formerly Invitae), Labcorp
Classification: Uncertain significance for DNA ligase IV deficiency. Last evaluated: 2022-06-24. Review status: criteria provided, single submitter. Criteria: Invitae Variant Classification Sherloc (09022015). Collection method: clinical testing. Allele origin: germline.
Comment: This sequence change replaces glycine, which is neutral and non-polar, with arginine, which is basic and polar, at codon 849 of the LIG4 protein (p.Gly849Arg). This variant is not present in population databases (gnomAD no frequency). This variant has not been reported in the literature in individuals affected with LIG4-related conditions. Algorithms developed to predict the effect of missense changes on protein structure and function are either unavailable or do not agree on the potential impact of this missense change (SIFT: "Deleterious"; PolyPhen-2: "Probably Damaging"; Align-GVGD: "Class C15"). In summary, the available evidence is currently insufficient to determine the role of this variant in disease. Therefore, it has been classified as a Variant of Uncertain Significance.